The following is an entry in ClinVar:

ClinVar aggregate classification (germline): Conflicting classifications of pathogenicity. Review status: criteria provided, conflicting classifications (1 of 4 stars). 19 submissions from 19 submitters: Uncertain significance (1); Benign (9); Likely benign (6). 3 of the submissions do not count toward it. Last evaluated 2026-06-01.

Conditions:
Juvenile polyposis syndrome (JPS). Identifiers: Orphanet 2929, MedGen C0345893, MONDO:0017380, OMIM 174900.
Hereditary cancer-predisposing syndrome. Also called: Tumor predisposition; Hereditary neoplastic syndrome; Hereditary Cancer Syndrome; Neoplastic Syndromes, Hereditary. Identifiers: Orphanet 140162, MedGen C0027672, MeSH D009386, MONDO:0015356.
Generalized juvenile polyposis/juvenile polyposis coli. Also called: Juvenile polyposis coli. Identifiers: Orphanet 329971, MedGen C1868081, MONDO:0008276.

Allele frequency attached by ClinVar (database versions not stated): 1000 Genomes Project 30x 0.00016; 1000 Genomes Project 0.00020; gnomAD 0.00057 and 0.00058; gnomAD exomes 0.00058 and 0.00109; TOPMed 0.00074; ESP Exome Variant Server 0.00077; ExAC 0.00083.
gnomAD v4.1: 1,005 of 1,614,208 alleles (0.062%); highest among the groups gnomAD compares: Middle Eastern, 0.16%; 5 homozygotes.

Submissions (20):

CeGaT Center for Human Genetics Tuebingen
Classification: Likely benign. Last evaluated: 2026-06-01. Review status: criteria provided, single submitter. Criteria: CeGaT Center For Human Genetics Tuebingen Variant Classification Criteria Version 2. Collection method: clinical testing. Allele origin: germline. Affected: yes. Observed: 44 variant alleles.
Comment: BMPR1A: BP4, BP7

Labcorp Genetics (formerly Invitae), Labcorp
Classification: Benign for Juvenile polyposis syndrome. Last evaluated: 2026-02-03. Review status: criteria provided, single submitter. Criteria: Invitae Variant Classification Sherloc (09022015). Collection method: clinical testing. Allele origin: germline.

Center for Genomic Medicine, Rigshospitalet, Copenhagen University Hospital
Classification: Likely benign. Last evaluated: 2025-03-04. Review status: criteria provided, single submitter. Criteria: ACMG Guidelines, 2015. Collection method: clinical testing. Allele origin: germline.

KCCC/NGS Laboratory, Kuwait Cancer Control Center
Classification: Benign for Juvenile polyposis syndrome. Last evaluated: 2025-02-01. Review status: criteria provided, single submitter. Criteria: ACMG Guidelines, 2015. Collection method: clinical testing. Allele origin: germline. Affected: no.

Blueprint Genetics
Classification: Likely benign. Last evaluated: 2024-11-25. Review status: criteria provided, single submitter. Criteria: ACMG Guidelines, 2015. Collection method: clinical testing. Allele origin: germline.

Myriad Genetics, Inc.
Classification: Benign for Juvenile polyposis syndrome. Last evaluated: 2024-08-08. Review status: criteria provided, single submitter. Criteria: Myriad Autosomal Dominant, Autosomal Recessive and X-Linked Classification Criteria (2023). Collection method: clinical testing. Allele origin: unknown.
Comment: This variant is considered benign. This variant is a silent/synonymous amino acid change and it is not expected to impact splicing.

All of Us Research Program, National Institutes of Health
Classification: Benign for Juvenile polyposis syndrome. Last evaluated: 2024-02-05. Review status: criteria provided, single submitter. Criteria: ACMG Guidelines, 2015. Collection method: clinical testing. Allele origin: germline. Inheritance: Autosomal dominant inheritance. Observed: 266 variant alleles, 264 heterozygotes, 2 homozygotes.
Comment: This study involves interpretation of variants in research participants for the purpose of population health screening. Participant phenotype was not available at the time of variant classification. Additional details can be found in publication PMID: 35346344, PMCID: PMC8962531

Quest Diagnostics Nichols Institute San Juan Capistrano
Classification: Benign. Last evaluated: 2022-08-02. Review status: criteria provided, single submitter. Criteria: Quest Diagnostics criteria. Collection method: clinical testing. Allele origin: unknown.

Institute for Clinical Genetics, University Hospital TU Dresden, University Hospital TU Dresden
Classification: Uncertain significance. Last evaluated: 2021-11-03. Review status: criteria provided, single submitter. Criteria: ACMG Guidelines, 2015. Collection method: clinical testing. Allele origin: germline.

Genetic Services Laboratory, University of Chicago
Classification: Benign. Last evaluated: 2020-09-23. Review status: criteria provided, single submitter. Criteria: ACMG Guidelines, 2015. Collection method: clinical testing. Allele origin: germline. Affected: no.

Illumina Laboratory Services, Illumina
Classification: Benign for Juvenile polyposis syndrome. Last evaluated: 2018-01-13. Review status: criteria provided, single submitter. Criteria: ICSL Variant Classification Criteria 13 December 2019. Collection method: clinical testing. Allele origin: germline.
Comment: This variant was observed in the ICSL laboratory as part of a predisposition screen in an ostensibly healthy population. It had not been previously curated by ICSL or reported in the Human Gene Mutation Database (HGMD: prior to June 1st, 2018), and was therefore a candidate for classification through an automated scoring system. Utilizing variant allele frequency, disease prevalence and penetrance estimates, and inheritance mode, an automated score was calculated to assess if this variant is too frequent to cause the disease. Based on the score and internal cut-off values, a variant classified as benign is not then subjected to further curation. The score for this variant resulted in a classification of benign for this disease.

ARUP Laboratories, Molecular Genetics and Genomics, ARUP Laboratories
Classification: Likely benign. Last evaluated: 2017-07-20. Review status: criteria provided, single submitter. Criteria: ARUP Molecular Germline Variant Investigation Process. Collection method: clinical testing. Allele origin: germline.

Color Diagnostics, LLC DBA Color Health
Classification: Benign for Hereditary cancer-predisposing syndrome. Last evaluated: 2016-03-30. Review status: criteria provided, single submitter. Criteria: ACMG Guidelines, 2015. Collection method: clinical testing. Allele origin: germline.

Ambry Genetics
Classification: Likely benign for Hereditary cancer-predisposing syndrome. Last evaluated: 2014-06-24. Review status: criteria provided, single submitter. Criteria: Ambry Variant Classification Scheme 2023. Collection method: clinical testing. Allele origin: germline.

GeneDx
Classification: Benign. Last evaluated: 2014-01-07. Review status: criteria provided, single submitter. Criteria: GeneDx Variant Classification (06012015). Collection method: clinical testing. Allele origin: germline. Affected: yes.
Comment: This variant is considered likely benign or benign based on one or more of the following criteria: it is a conservative change, it occurs at a poorly conserved position in the protein, it is predicted to be benign by multiple in silico algorithms, and/or has population frequency not consistent with disease.

PreventionGenetics, part of Exact Sciences
Classification: Likely benign. Review status: criteria provided, single submitter. Criteria: ACMG Guidelines, 2015. Collection method: clinical testing. Allele origin: germline.

Clinical Genetics, Academic Medical Center
Classification: Likely benign. Review status: no assertion criteria provided. Collection method: clinical testing. Allele origin: germline. Affected: yes. Study: VKGL Data-share Consensus. Not counted in ClinVar's aggregate classification.

Department of Pathology and Laboratory Medicine, Sinai Health System
Classification: Benign. Review status: no assertion criteria provided. Collection method: clinical testing. Allele origin: unknown. Affected: yes. Study: The Canadian Open Genetics Repository (COGR). Not counted in ClinVar's aggregate classification.
Comment: The BMPR1A p.Val473= variant was not identified in the literature nor was it identified in the Cosmic, MutDB, LOVD 3.0 databases. The variant was identified in dbSNP (ID: rs145756629) as â€šÃ„ÃºWith other alleleâ€šÃ„Ã¹, ClinVar (as benign by GeneDx, Invitae, and Color Genomics, and as likely benign by Ambry Genetics, Illumina, Quest Diagnostics, and Prevention Genetics), and Clinvitae (4x). The variant was identified in control databases in 275 of 277250 chromosomes (1 homozygous) at a frequency of 0.000992 increasing the likelihood this could be a low frequency benign variant (Genome Aggregation Database Feb 27, 2017). It was observed in the following populations: â€šÃ„ÃºOtherâ€šÃ„Ã¹ in 5 of 6468 chromosomes (freq: 0.000773), Latino in 16 of 34420 chromosomes (freq: 0.000465), European (Non-Finnish) in 62 of 126732 chromosomes (freq: 0.000489), Ashkenazi Jewish in 176 of 10152 chromosomes (freq: 0.01734), and South Asian in 16 of 30782 chromosomes (freq: 0.00052); was not observed in the African, East Asian, or European (Finnish) populations. The p.Val473= variant is not expected to have clinical significance because it does not result in a change of amino acid and is not located in a known consensus splice site. In addition, in silico or computational prediction software programs (SpliceSiteFinder, MaxEntScan, NNSPLICE, GeneSplicer, HumanSpliceFinder) do not predict a difference in splicing. In summary, based on the above information this variant meets our laboratory's criteria to be classified as benign.

Dr. Peter K. Rogan Lab, Western University
No classification provided (evidence only). Condition: Uterine corpus endometrial carcinoma. Review status: no classification provided. Collection method: in vitro. Allele origin: not applicable. Functional consequence: retained intron. Not counted in ClinVar's aggregate classification.

Joint Genome Diagnostic Labs from Nijmegen and Maastricht, Radboudumc and MUMC+
Classification: Likely benign. Review status: no assertion criteria provided. Collection method: clinical testing. Allele origin: germline. Affected: yes. Study: VKGL Data-share Consensus. Not counted in ClinVar's aggregate classification.

NM_004329.3(BMPR1A):c.1419T>G (p.Val473=)

Gene: BMPR1A (bone morphogenetic protein receptor type 1A; plus strand). Cytogenetic location: 10q23.2.
Variant type: single nucleotide variant.
Coding change: c.1419T>G on transcript NM_004329.3 (MANE Select); coding-DNA position 1419, T replaced by G.
Protein change: p.Val473=; no amino-acid change (valine 473 retained).
Molecular consequence: synonymous variant.
Genome position (GRCh38, 1-based): chr10:86,923,452, T>G. VCF-style: chr10-86923452-T-G. GRCh37 (hg19) VCF-style: chr10-88683209-T-G.
Other names: p.V473V:GTT>GTG.
Identifiers: ClinVar variation 136526 (VCV000136526.87), dbSNP rs145756629, ClinGen allele CA289723.